The following is an entry in ClinVar:

ClinVar aggregate classification (germline): Benign (1 of 4 stars; one submission).

Conditions:
Mitochondrial complex I deficiency, nuclear type 1. Also called: NADH-COENZYME Q REDUCTASE DEFICIENCY; MITOCHONDRIAL NADH DEHYDROGENASE COMPONENT OF COMPLEX I, DEFICIENCY OF. Identifiers: MedGen C6022305, MONDO:0100224, OMIM 252010.

Allele frequency attached by ClinVar (database versions not stated): gnomAD exomes 0.04257; TOPMed 0.08171; gnomAD 0.08239 and 0.08584; 1000 Genomes Project 0.08546; 1000 Genomes Project 30x 0.08838.
gnomAD v4.1: 16,557 of 247,652 alleles (6.7%); highest among the groups gnomAD compares: African/African-American, 20%; 1,042 homozygotes.

Submission:

Illumina Laboratory Services, Illumina
Classification: Benign for Mitochondrial complex I deficiency, nuclear type 1. Last evaluated: 2018-01-13. Review status: criteria provided, single submitter. Criteria: ICSL Variant Classification Criteria 13 December 2019. Collection method: clinical testing. Allele origin: germline.
Comment: This variant was observed in the ICSL laboratory as part of a predisposition screen in an ostensibly healthy population. It had not been previously curated by ICSL or reported in the Human Gene Mutation Database (HGMD: prior to June 1st, 2018), and was therefore a candidate for classification through an automated scoring system. Utilizing variant allele frequency, disease prevalence and penetrance estimates, and inheritance mode, an automated score was calculated to assess if this variant is too frequent to cause the disease. Based on the score and internal cut-off values, a variant classified as benign is not then subjected to further curation. The score for this variant resulted in a classification of benign for this disease.

NM_014165.4(NDUFAF4):c.*323A>T

Gene: NDUFAF4 (NADH:ubiquinone oxidoreductase complex assembly factor 4; minus strand). Cytogenetic location: 6q16.1.
Variant type: single nucleotide variant.
Coding change: c.*323A>T on transcript NM_014165.4 (MANE Select); 323 bases downstream of the stop codon, A replaced by T.
Molecular consequence: 3 prime UTR variant.
Genome position (GRCh38, 1-based): chr6:96,890,781, T>A on the plus strand (A>T on the coding strand, the complement: NDUFAF4 is on the minus strand). VCF-style: chr6-96890781-T-A. GRCh37 (hg19) VCF-style: chr6-97338657-T-A.
Identifiers: ClinVar variation 358267 (VCV000358267.5), dbSNP rs9487453, ClinGen allele CA10622826.